The following is an entry in ClinVar:

ClinVar aggregate classification (germline): Uncertain significance (1 of 4 stars; one submission).

Allele frequency attached by ClinVar (database versions not stated): TOPMed below 0.00001; gnomAD 0.00001.
gnomAD v4.1: 1 of 1,613,910 alleles (0.000062%); highest among the groups gnomAD compares: Non-Finnish European, 0.000085%; no homozygotes.

Submission:

Labcorp Genetics (formerly Invitae), Labcorp
Classification: Uncertain significance. Last evaluated: 2022-10-13. Review status: criteria provided, single submitter. Criteria: Invitae Variant Classification Sherloc (09022015). Collection method: clinical testing. Allele origin: germline.
Comment: Advanced modeling of protein sequence and biophysical properties (such as structural, functional, and spatial information, amino acid conservation, physicochemical variation, residue mobility, and thermodynamic stability) has been performed at Invitae for this missense variant, however the output from this modeling did not meet the statistical confidence thresholds required to predict the impact of this variant on CHD8 protein function. This variant is not present in population databases (gnomAD no frequency). This variant has not been reported in the literature in individuals affected with CHD8-related conditions. In summary, the available evidence is currently insufficient to determine the role of this variant in disease. Therefore, it has been classified as a Variant of Uncertain Significance. This sequence change replaces tyrosine, which is neutral and polar, with histidine, which is basic and polar, at codon 1846 of the CHD8 protein (p.Tyr1846His).

NM_001170629.2(CHD8):c.5536T>C (p.Tyr1846His)

Gene: CHD8 (chromodomain helicase DNA binding protein 8; minus strand). Cytogenetic location: 14q11.2.
Variant type: single nucleotide variant.
Coding change: c.5536T>C on transcript NM_001170629.2 (MANE Select); coding-DNA position 5536, T replaced by C.
Protein change: p.Tyr1846His; replaces tyrosine 1846 with histidine.
Molecular consequence: missense variant.
Genome position (GRCh38, 1-based): chr14:21,394,340, A>G on the plus strand (T>C on the coding strand, the complement: CHD8 is on the minus strand). VCF-style: chr14-21394340-A-G. GRCh37 (hg19) VCF-style: chr14-21862499-A-G.
Other names: c.4699T>C, p.Tyr1567His (NM_020920.4); short protein forms Y1567H, Y1846H.
Identifiers: ClinVar variation 2039218 (VCV002039218.4), dbSNP rs1281379250, ClinGen allele CA388882995.